The following is an entry in ClinVar:

ClinVar aggregate classification (germline): Pathogenic (1 of 4 stars; one submission).

Conditions:
Primary ciliary dyskinesia 3. Identifiers: Orphanet 244, MedGen C1837618, MONDO:0012085, OMIM 608644.

Submission:

Myriad Genetics, Inc.
Classification: Pathogenic for Primary ciliary dyskinesia 3. Last evaluated: 2024-05-14. Review status: criteria provided, single submitter. Criteria: Myriad Autosomal Dominant, Autosomal Recessive and X-Linked Classification Criteria (2023). Collection method: clinical testing. Allele origin: unknown.
Comment: NM_001369.2(DNAH5):c.8920_8921ins10(G2974Vfs*47) is expected to be pathogenic in the context of primary ciliary dyskinesia, DNAH5-related. This variant is predicted to lead to an abnormal or absent protein product due to the creation of a premature termination codon in DNAH5, a gene where loss-of-function variants are known to be pathogenic. Please note: this variant was assessed in the context of healthy population screening.

NM_001369.3(DNAH5):c.8920_8921insTGAGTGTCGT (p.Gly2974fs)

Gene: DNAH5 (dynein axonemal heavy chain 5; minus strand). Cytogenetic location: 5p15.2.
Variant type: Insertion.
Coding change: c.8920_8921insTGAGTGTCGT on transcript NM_001369.3 (MANE Select); coding-DNA positions 8920 to 8921, TGAGTGTCGT inserted.
Protein change: p.Gly2974fs; shifts the reading frame from glycine 2974.
Molecular consequence: frameshift variant.
Genome position: GRCh38 VCF-style: chr5-13780859-C-CACGACACTCA. GRCh37 (hg19) VCF-style: chr5-13780968-C-CACGACACTCA.
Other names: short protein forms G2974fs.
Identifiers: ClinVar variation 5010890 (VCV005010890.1).